The following is an entry in ClinVar:

ClinVar aggregate classification (germline): Benign (1 of 4 stars; one submission).

Conditions:
Seizures, benign familial neonatal, 2. Also called: Benign Neonatal Epilepsy 2; CONVULSIONS, BENIGN FAMILIAL NEONATAL, 2; KCNQ3-Related Benign Familial Neonatal Epilepsy; KCNQ3-Related Self-Limited Familial Neonatal Epilepsy (SLFNE); Seizures, benign neonatal, 2. Identifiers: Orphanet 1949, MedGen C1852581, MONDO:0007366, OMIM 121201.

Allele frequency attached by ClinVar (database versions not stated): 1000 Genomes Project 0.00220; 1000 Genomes Project 30x 0.00187; gnomAD 0.00218 and 0.00236; TOPMed 0.00292.

Submission:

Illumina Laboratory Services, Illumina
Classification: Benign for Seizures, benign familial neonatal, 2. Last evaluated: 2018-01-12. Review status: criteria provided, single submitter. Criteria: ICSL Variant Classification Criteria 13 December 2019. Collection method: clinical testing. Allele origin: germline.
Comment: This variant was observed in the ICSL laboratory as part of a predisposition screen in an ostensibly healthy population. It had not been previously curated by ICSL or reported in the Human Gene Mutation Database (HGMD: prior to June 1st, 2018), and was therefore a candidate for classification through an automated scoring system. Utilizing variant allele frequency, disease prevalence and penetrance estimates, and inheritance mode, an automated score was calculated to assess if this variant is too frequent to cause the disease. Based on the score and internal cut-off values, a variant classified as benign is not then subjected to further curation. The score for this variant resulted in a classification of benign for this disease.

NM_004519.4(KCNQ3):c.*2393A>G

Gene: KCNQ3 (potassium voltage-gated channel subfamily Q member 3; minus strand). Cytogenetic location: 8q24.22.
Variant type: single nucleotide variant.
Coding change: c.*2393A>G on transcript NM_004519.4 (MANE Select); 2393 bases downstream of the stop codon, A replaced by G.
Molecular consequence: 3 prime UTR variant.
Genome position (GRCh38, 1-based): chr8:132,126,869, T>C on the plus strand (A>G on the coding strand, the complement: KCNQ3 is on the minus strand). VCF-style: chr8-132126869-T-C. GRCh37 (hg19) VCF-style: chr8-133139116-T-C.
Other names: c.*2393A>G (NM_001204824.2).
Identifiers: ClinVar variation 909549 (VCV000909549.4), dbSNP rs139982273, ClinGen allele CA185429806.